The following is an entry in ClinVar:

ClinVar aggregate classification (germline): Likely pathogenic (1 of 4 stars; one submission).

Conditions:
Mitochondrial trifunctional protein deficiency. Identifiers: Orphanet 746, MedGen C1969443, MONDO:0012172.
Long chain 3-hydroxyacyl-CoA dehydrogenase deficiency. Also called: Deficiency of long-chain 3-hydroxyacyl-coenzyme A dehydrogenase; LCHAD Deficiency. Identifiers: Orphanet 5, MedGen C3711645, MONDO:0012173, OMIM 609016.

Submission:

Labcorp Genetics (formerly Invitae), Labcorp
Classification: Likely pathogenic for Mitochondrial trifunctional protein deficiency; Long chain 3-hydroxyacyl-CoA dehydrogenase deficiency. Last evaluated: 2023-05-30. Review status: criteria provided, single submitter. Criteria: Invitae Variant Classification Sherloc (09022015). Collection method: clinical testing. Allele origin: germline.
Comment: In summary, the currently available evidence indicates that the variant is pathogenic, but additional data are needed to prove that conclusively. Therefore, this variant has been classified as Likely Pathogenic. Algorithms developed to predict the effect of sequence changes on RNA splicing suggest that this variant may create or strengthen a splice site. Advanced modeling of protein sequence and biophysical properties (such as structural, functional, and spatial information, amino acid conservation, physicochemical variation, residue mobility, and thermodynamic stability) performed at Invitae indicates that this missense variant is not expected to disrupt HADHA protein function. This missense change has been observed in individual(s) with long-chain 3-hydroxyacyl-CoA dehydrogenase deficiency (Invitae). In at least one individual the data is consistent with being in trans (on the opposite chromosome) from a pathogenic variant. This variant is not present in population databases (gnomAD no frequency). This sequence change replaces alanine, which is neutral and non-polar, with aspartic acid, which is acidic and polar, at codon 272 of the HADHA protein (p.Ala272Asp).

NM_000182.5(HADHA):c.815C>A (p.Ala272Asp)

Gene: HADHA (hydroxyacyl-CoA dehydrogenase trifunctional multienzyme complex subunit alpha; minus strand). Cytogenetic location: 2p23.3.
Variant type: single nucleotide variant.
Coding change: c.815C>A on transcript NM_000182.5 (MANE Select); coding-DNA position 815, C replaced by A.
Protein change: p.Ala272Asp; replaces alanine 272 with aspartic acid.
Molecular consequence: missense variant.
Genome position (GRCh38, 1-based): chr2:26,214,546, G>T on the plus strand (C>A on the coding strand, the complement: HADHA is on the minus strand). VCF-style: chr2-26214546-G-T. GRCh37 (hg19) VCF-style: chr2-26437415-G-T.
Other names: short protein forms A272D.
Identifiers: ClinVar variation 2934851 (VCV002934851.3), dbSNP rs2465560526, ClinGen allele CA346091398.